The following is an entry in ClinVar:

NM_173598.6(KSR2):c.2152C>T (p.Arg718Trp)

Gene: KSR2 (kinase suppressor of ras 2; minus strand). Cytogenetic location: 12q24.22.
Variant type: single nucleotide variant.
Coding change: c.2152C>T on transcript NM_173598.6 (MANE Select); coding-DNA position 2152, C replaced by T.
Protein change: p.Arg718Trp; replaces arginine 718 with tryptophan.
Molecular consequence: missense variant.
Genome position (GRCh38, 1-based): chr12:117,524,919, G>A on the plus strand (C>T on the coding strand, the complement: KSR2 is on the minus strand). VCF-style: chr12-117524919-G-A. GRCh37 (hg19) VCF-style: chr12-117962724-G-A.
Other names: short protein forms R718W.
Identifiers: ClinVar variation 4987846 (VCV004987846.1).

ClinVar aggregate classification (germline): Uncertain significance (1 of 4 stars; one submission).

Conditions:
KSR2-related disorder. Also called: KSR2-related condition.

gnomAD v4.1: 1 of 1,613,842 alleles (0.000062%); highest among the groups gnomAD compares: Non-Finnish European, 0.000085%; no homozygotes.

Submission:

PreventionGenetics, part of Exact Sciences
Classification: Uncertain significance for KSR2-related condition. Last evaluated: 2025-10-22. Review status: criteria provided, single submitter. Criteria: ACMG Guidelines, 2015. Collection method: clinical testing. Allele origin: germline.
Comment: The KSR2 c.2065C>T variant is predicted to result in the amino acid substitution p.Arg689Trp. This variant has been reported as de novo in a patient with congenital heart disease; however, no evidence was provided to support its pathogenicity and this gene-disease relationship is limited (Table S9, Jin et al. 2017. PubMed ID: 28991257). This variant has not been reported in a large population database (gnomAD), indicating this variant is rare. At this time, the clinical significance of this variant is uncertain due to the absence of conclusive functional and genetic evidence.